The following is an entry in ClinVar:

NM_000088.4(COL1A1):c.519A>G (p.Gly173=)

Gene: COL1A1 (collagen type I alpha 1 chain; minus strand). Cytogenetic location: 17q21.33.
Variant type: single nucleotide variant.
Coding change: c.519A>G on transcript NM_000088.4 (MANE Select); coding-DNA position 519, A replaced by G.
Protein change: p.Gly173=; no amino-acid change (glycine 173 retained).
Molecular consequence: synonymous variant.
Genome position (GRCh38, 1-based): chr17:50,198,457, T>C on the plus strand (A>G on the coding strand, the complement: COL1A1 is on the minus strand). VCF-style: chr17-50198457-T-C. GRCh37 (hg19) VCF-style: chr17-48275818-T-C.
Other names: p.Gly173=.
Identifiers: ClinVar variation 4684235 (VCV004684235.1).

ClinVar aggregate classification (germline): Likely benign (1 of 4 stars; one submission).

Submission:

Mayo Clinic Laboratories, Mayo Clinic
Classification: Likely benign. Last evaluated: 2025-01-27. Review status: criteria provided, single submitter. Criteria: ACMG Guidelines, 2015. Collection method: clinical testing. Allele origin: germline. Observed: 1 variant allele.
Comment: BP4, BP7, PM2_supporting